The following is an entry in ClinVar:

NM_001042492.3(NF1):c.3800del (p.Leu1267fs)

Gene: NF1 (neurofibromin 1; plus strand). Cytogenetic location: 17q11.2.
Variant type: Deletion.
Coding change: c.3800del on transcript NM_001042492.3 (MANE Select); coding-DNA position 3800, one base deleted (T; older notation c.3800delT).
Protein change: p.Leu1267fs; shifts the reading frame from leucine 1267.
Molecular consequence: frameshift variant.
Genome position (GRCh38, 1-based): chr17:31,235,702, T deleted; the last of 2 consecutive T bases (chr17:31,235,701-31,235,702); deleting either gives the same sequence. VCF-style (leftmost placement, unchanged base first): chr17-31235700-AT-A. GRCh37 (hg19) VCF-style: chr17-29562718-AT-A.
Other names: c.3800delT, p.Leu1267Trpfs (NM_000267.4); short protein forms L1267fs.
Identifiers: ClinVar variation 1069721 (VCV001069721.5), dbSNP rs2151437918, ClinGen allele CA658761081.

ClinVar aggregate classification (germline): Pathogenic (1 of 4 stars; one submission).

Conditions:
Neurofibromatosis, type 1 (NF1). Also called: VON RECKLINGHAUSEN DISEASE; Peripheral type neurofibromatosis; NEUROFIBROMATOSIS, TYPE I, SOMATIC; Neurofibromatosis, type I. Identifiers: Orphanet 636, MedGen C0027831, MONDO:0018975, OMIM 162200. Disease mechanism: loss of function.

Submission:

Labcorp Genetics (formerly Invitae), Labcorp
Classification: Pathogenic for Neurofibromatosis, type 1. Last evaluated: 2024-12-11. Review status: criteria provided, single submitter. Criteria: Invitae Variant Classification Sherloc (09022015). Collection method: clinical testing. Allele origin: germline.
Comment: This sequence change creates a premature translational stop signal (p.Leu1267Trpfs*18) in the NF1 gene. It is expected to result in an absent or disrupted protein product. Loss-of-function variants in NF1 are known to be pathogenic (PMID: 10712197, 23913538). This variant is not present in population databases (gnomAD no frequency). This premature translational stop signal has been observed in individual(s) with clinical features of neurofibromatosis type 1 (PMID: 23913538). ClinVar contains an entry for this variant (Variation ID: 1069721). For these reasons, this variant has been classified as Pathogenic.

Literature cited by the submitters: PubMed 10712197; PubMed 23913538.